The following is an entry in ClinVar:

ClinVar aggregate classification (germline): Uncertain significance. Review status: criteria provided, multiple submitters, no conflicts (2 of 4 stars). 2 submissions from 2 submitters: Uncertain significance (2). Last evaluated 2024-05-01.

Allele frequency attached by ClinVar (database versions not stated): TOPMed 0.00007; gnomAD 0.00010; gnomAD exomes 0.00012; ESP Exome Variant Server 0.00024; ExAC 0.00025.
gnomAD v4.1: 185 of 1,610,622 alleles (0.011%); highest among the groups gnomAD compares: Non-Finnish European, 0.014%; no homozygotes.

Submissions (2):

Labcorp Genetics (formerly Invitae), Labcorp
Classification: Uncertain significance. Last evaluated: 2024-05-01. Review status: criteria provided, single submitter. Criteria: Invitae Variant Classification Sherloc (09022015). Collection method: clinical testing. Allele origin: germline.
Comment: This sequence change replaces glycine, which is neutral and non-polar, with serine, which is neutral and polar, at codon 198 of the NYNRIN protein (p.Gly198Ser). This variant is present in population databases (rs202195057, gnomAD 0.03%). This variant has not been reported in the literature in individuals affected with NYNRIN-related conditions. Experimental studies and prediction algorithms are not available or were not evaluated, and the functional significance of this variant is currently unknown. In summary, the available evidence is currently insufficient to determine the role of this variant in disease. Therefore, it has been classified as a Variant of Uncertain Significance.

Ambry Genetics
Classification: Uncertain significance. Last evaluated: 2024-03-12. Review status: criteria provided, single submitter. Criteria: Ambry Variant Classification Scheme 2023. Collection method: clinical testing. Allele origin: germline.

NM_025081.3(NYNRIN):c.592G>A (p.Gly198Ser)

Gene: NYNRIN (NYN domain and retroviral integrase containing; plus strand). Cytogenetic location: 14q12.
Variant type: single nucleotide variant.
Coding change: c.592G>A on transcript NM_025081.3 (MANE Select); coding-DNA position 592, G replaced by A.
Protein change: p.Gly198Ser; replaces glycine 198 with serine.
Molecular consequence: missense variant.
Genome position (GRCh38, 1-based): chr14:24,408,262, G>A. VCF-style: chr14-24408262-G-A. GRCh37 (hg19) VCF-style: chr14-24877468-G-A.
Other names: short protein forms G198S.
Identifiers: ClinVar variation 3203620 (VCV003203620.3), dbSNP rs202195057, ClinGen allele CA7136634.
Genomic context (GRCh38, chr14:24,408,262, plus strand): 5'-CTACTGCAGCTGCCCCCAGCGGTCCAGGAGCTGCTGCTGAGCCTGGTGCGGGATGCTGCG[G>A]GCAAGGAAGACATCATCGAGTGGCTCAGCCGCTTCGGCATCTCTGACTCCCACTCCGATC-3'
Protein context (NP_079357.2, residues 188-208): LLLSLVRDAA[Gly198Ser]KEDIIEWLSR